The following is an entry in ClinVar:

NM_014629.4(ARHGEF10):c.545+3A>G

Gene: ARHGEF10 (Rho guanine nucleotide exchange factor 10; plus strand). Cytogenetic location: 8p23.3.
Variant type: single nucleotide variant.
Coding change: c.545+3A>G on transcript NM_014629.4 (MANE Select); 3 bases into the intron after coding-DNA position 545, A replaced by G.
Molecular consequence: intron variant.
Genome position (GRCh38, 1-based): chr8:1,864,439, A>G. VCF-style: chr8-1864439-A-G. GRCh37 (hg19) VCF-style: chr8-1812605-A-G.
Other names: c.548+3A>G (NM_001438092.1, NM_001438091.1, NM_001308152.2 and 2 more transcripts); c.545+3A>G (NM_001438093.1).
Identifiers: ClinVar variation 3905762 (VCV003905762.10).

ClinVar aggregate classification (germline): Uncertain significance (1 of 4 stars; one submission).

Submission:

CeGaT Center for Human Genetics Tuebingen
Classification: Uncertain significance. Last evaluated: 2025-07-01. Review status: criteria provided, single submitter. Criteria: CeGaT Center For Human Genetics Tuebingen Variant Classification Criteria Version 2. Collection method: clinical testing. Allele origin: germline. Affected: yes. Observed: 1 variant allele.
Comment: ARHGEF10: PM2, PP3